The following is an entry in ClinVar:

NM_000540.3(RYR1):c.12063_12064dup (p.Met4022fs)

Gene: RYR1 (ryanodine receptor 1; plus strand). Cytogenetic location: 19q13.2.
Variant type: Duplication.
Coding change: c.12063_12064dup on transcript NM_000540.3 (MANE Select); coding-DNA positions 12063 to 12064, 2 bases duplicated (CA; older notation c.12063_12064dupCA).
Protein change: p.Met4022fs; shifts the reading frame from methionine 4022.
Molecular consequence: frameshift variant.
Genome position (GRCh38, 1-based): chr19:38,546,495-38,546,496, CA duplicated; duplicating any 2 consecutive bases within chr19:38,546,494-38,546,496 gives the same sequence; the c. name uses the placement nearest the transcript's 3' end. VCF-style (leftmost placement, unchanged base first): chr19-38546493-G-GAC. GRCh37 (hg19) VCF-style: chr19-39037133-G-GAC.
Other names: c.12063_12064dupCA (NM_000540.2, NM_000540.3); c.12048_12049dup, p.Met4017fs (NM_001042723.2); c.12063_12064dup (NM_000540.2); short protein forms M4022fs, M4017fs.
Identifiers: ClinVar variation 590394 (VCV000590394.20), dbSNP rs1419938249, ClinGen allele CA632870123.
Genomic context (GRCh38, chr19:38,546,493, plus strand): 5'-TGGGATCTCTAGGACTCAAGCCAGATCGAGCTGCTGAAGGAGCTGCTGGATCTGCAGAAG[G>GAC]ACATGGTGGTGATGTTGCTGTCGCTACTAGAAGGTAAACACCCAGGAGTGAGGGTGAGGG-3'

ClinVar aggregate classification (germline): Pathogenic/Likely pathogenic. Review status: criteria provided, multiple submitters, no conflicts (2 of 4 stars). 11 submissions from 11 submitters: Pathogenic (7); Likely pathogenic (3). 1 of the submissions does not count toward it. Last evaluated 2026-10-25.

Conditions:
RYR1-related myopathy. Identifiers: Orphanet 98742, MedGen CN305348, MONDO:0100150.
Malignant hyperthermia, susceptibility to, 1 (MHS1). Also called: Anesthesia related hyperthermia; Malignant hyperpyrexia; Fulminating hyperpyrexia; Pharmacogenic myopathy; RYR1-Related Malignant Hyperthermia Susceptibility; Malignant hyperthermia suceptibility 1. Identifiers: Orphanet 423, MedGen C2930980, MONDO:0007783, OMIM 145600.
Central core myopathy (CMYO1A). Also called: CONGENITAL MYOPATHY 1A, AUTOSOMAL DOMINANT, WITH SUSCEPTIBILITY TO MALIGNANT HYPERTHERMIA; Central core disease; Myopathy, central fibrillar. Identifiers: Orphanet 597, MedGen C5830701, MONDO:0007294, OMIM 117000.
Congenital myopathy with fiber type disproportion. Also called: Congenital fiber-type disproportion; Congenital fiber-type disproportion myopathy. Identifiers: Orphanet 2020, MedGen C0546264, MONDO:0009711. Inheritance: all.
King Denborough syndrome (KDS). Identifiers: MedGen C1840365, MONDO:0020485, OMIM 619542.
Congenital multicore myopathy with external ophthalmoplegia (CMYO1B). Also called: MULTIMINICORE DISEASE WITH EXTERNAL OPHTHALMOPLEGIA; MULTICORE MYOPATHY; Congenital myopathy 1B, autosomal recessive; Minicore myopathy; Minicore myopathy with external ophthalmoplegia. Identifiers: Orphanet 598, Orphanet 98905, MedGen C1850674, MONDO:0009712, OMIM 255320, HP:0003789.
RYR1-related disorder. Also called: RYR1-related disorders; RYR1-related condition. Identifiers: MedGen CN239331.

Submissions (11):

GeneDx
Classification: Pathogenic. Last evaluated: 2026-10-25. Review status: criteria provided, single submitter. Criteria: GeneDx Variant Classification Process June 2021. Collection method: clinical testing. Allele origin: germline.
Comment: Observed with a second RYR1 variant in patients with RYR1-related myopathy in published literature, but it is not known whether the variants occurred on the same (in cis) or on different (in trans) alleles in some cases (PMID: 23919265, 25957634); Frameshift variant predicted to result in protein truncation or nonsense mediated decay in a gene for which loss of function is a known mechanism of disease; Not observed at significant frequency in large population cohorts (gnomAD); This variant is associated with the following publications: (PMID: 25957634, 23919265, 39472908, 28269792)

Variantyx, Inc.
Classification: Likely pathogenic for Congenital multicore myopathy with external ophthalmoplegia. Last evaluated: 2026-01-20. Review status: criteria provided, single submitter. Criteria: Variantyx Assertion Criteria 2022. Collection method: clinical testing. Allele origin: germline. Inheritance: Autosomal recessive inheritance.
Comment: This is a frameshift variant in the RYR1 gene (OMIM: 180901). Pathogenic variants in this gene have been associated with autosomal recessive congenital myopathy 1B. This variant introduces a premature termination codon in exon 88 out of 106 and is expected to result in loss of function, which is a known disease mechanism for RYR1 in this disorder (PVS1). It has been identified in the compound heterozygous state in at least two individuals reported in the published literature (PMID: 23919265, 28269792) (PM3) and has a 0.0037% maximum allele frequency in non-founder control populations. Based on the CSPEC guidelines, this variant is classified as likely pathogenic for autosomal recessive congenital myopathy 1B.

Clinical Biomedical Laboratory, Shriners Hospital For Children - Canada
Classification: Pathogenic for Central core myopathy. Last evaluated: 2025-10-05. Review status: criteria provided, single submitter. Criteria: ACMG Guidelines, 2015. Collection method: clinical testing. Allele origin: germline. Affected: yes.
Comment: This variant is predicted to substitute a methionine residue by an asparagine residue and introduce a premature stop codon four amino acids downstream, which induces loss of function. This variant is very rare in the Genome Aggregation Database v2.1.1. This specific variant has been reported previously in the Leiden Open Variation database V3 as pathogenic and is described in the literature (PMID: 28269792, 25960145).

Labcorp Genetics (formerly Invitae), Labcorp
Classification: Pathogenic for RYR1-related disorder. Last evaluated: 2025-09-04. Review status: criteria provided, single submitter. Criteria: Invitae Variant Classification Sherloc (09022015). Collection method: clinical testing. Allele origin: germline.
Comment: This sequence change creates a premature translational stop signal (p.Met4022Thrfs*4) in the RYR1 gene. It is expected to result in an absent or disrupted protein product. Loss-of-function variants in RYR1 are known to be pathogenic (PMID: 23919265, 25960145, 28818389, 30611313). This variant is present in population databases (no rsID available, gnomAD 0.003%). This premature translational stop signal has been observed in individual(s) with autosomal recessive RYR1-related myopathy (PMID: 23919265, 25957634, 28269792). ClinVar contains an entry for this variant (Variation ID: 590394). For these reasons, this variant has been classified as Pathogenic.

PreventionGenetics, part of Exact Sciences
Classification: Likely pathogenic for RYR1-related condition. Last evaluated: 2025-05-12. Review status: criteria provided, single submitter. Criteria: ACMG Guidelines, 2015. Collection method: clinical testing. Allele origin: germline.
Comment: The RYR1 c.12063_12064dupCA variant is predicted to result in a frameshift and premature protein termination (p.Met4022Thrfs*4). This variant has been reported with an additional RYR1 variant in multiple individuals with autosomal recessive RYR1-related myopathy (Fattori et al. 2015. PubMed ID: 25957634; Samões et al. 2017. PubMed ID: 28269792; described as c.12063insAC, Fusto et al. 2022. PubMed ID: 35428369; Sarkozy et al. 2023. PubMed ID: 37643885). This variant is reported in 0.0029% of alleles in individuals of Latino descent in gnomAD. Loss of function variants, including frameshift, splicing, and nonsense variants have only been observed for the autosomal recessive myopathy phenotype and are expected to be pathogenic. Loss of function variants are not established for autosomal dominant malignant hyperthermia. Taken together, this variant is interpreted as likely pathogenic for autosomal recessive RYR1-related disorders and interpreted as uncertain for autosomal dominant RYR1-related disorders.

Revvity Omics, Revvity
Classification: Pathogenic. Last evaluated: 2024-10-03. Review status: criteria provided, single submitter. Criteria: ACMG Guidelines, 2015. Collection method: clinical testing. Allele origin: germline.

Molecular Genetics, Royal Melbourne Hospital
Classification: Pathogenic for Congenital multicore myopathy with external ophthalmoplegia. Last evaluated: 2023-03-30. Review status: criteria provided, single submitter. Criteria: ACMG Guidelines, 2015. Collection method: clinical testing. Allele origin: germline.
Comment: This sequence change is a duplication of 2 bp in exon 88 (of 106) of RYR1 that is predicted to create a premature termination codon at position 4025, p.(Met4022Thrfs*4). It is expected to result in nonsense-mediated decay in a gene where loss of function is a mechanism of disease in recessive RYR1-related disorders. The variant is present in a large population cohort at a frequency of 0.001%, which is consistent with recessive disease (rs1419938249, 3/251,476 alleles, 0 homozygotes in gnomAD v2.1). The variant has been identified with a second RYR1 allele in at least four individuals with a diagnosis of congenital myopathy (PMID: 25957634, 30155738; LOVD Individual #00218031, #00218030). Based on the classification scheme RMH ACMG Guidelines v1.2.1, this variant is classified as PATHOGENIC. Following criteria are met: PVS1, PM3_Strong, PM2.

Blueprint Genetics
Classification: Likely pathogenic for RYR1-related disorders. Last evaluated: 2022-07-20. Review status: criteria provided, single submitter. Criteria: ACMG Guidelines, 2015. Collection method: clinical testing. Allele origin: germline. Affected: yes. Observed: 3 variant alleles.

Fulgent Genetics
Classification: Pathogenic for Central core myopathy; Malignant hyperthermia, susceptibility to, 1; Congenital myopathy 4A, autosomal dominant; Congenital multicore myopathy with external ophthalmoplegia; King Denborough syndrome. Last evaluated: 2021-09-18. Review status: criteria provided, single submitter. Criteria: ACMG Guidelines, 2015. Collection method: clinical testing. Allele origin: unknown.

Victorian Clinical Genetics Services, Murdoch Childrens Research Institute
Classification: Pathogenic for RYR1-related myopathy. Last evaluated: 2021-05-06. Review status: criteria provided, single submitter. Criteria: ACMG Guidelines, 2015. Collection method: clinical testing. Allele origin: germline.
Comment: Based on the classification scheme VCGS_Germline_v1.3.4, this variant is classified as Pathogenic. Following criteria are met: 0103 - Loss of function and gain of function are known mechanisms of disease in this gene and are associated with RYR1-related disorders. Central core disease (MIM#117000), congenital neuromuscular disease with uniform type 1 fiber (MIM#17000) and minicore myopathy with external ophthalmoplegia (MIM#255320) are associated with loss of function, while a gain of function mechanism has been described in the context of malignant hyperthermia susceptibility (MIM#145600; PMIDs: 27855725, 23919265). (I) 0108 - This gene is associated with both recessive and dominant disease (OMIM). (I) 0201 - Variant is predicted to cause nonsense-mediated decay (NMD) and loss of protein (premature termination codon is located at least 54 nucleotides upstream of the final exon-exon junction). (SP) 0251 - This variant is heterozygous. (I) 0304 - Variant is present in gnomAD <0.01 for a recessive condition (v2: 3 heterozygotes, 0 homozygotes). (SP) 0701 - Other variants predicted to result in NMD comparable to the one identified in this case have very strong previous evidence for pathogenicity (DECIPHER). (SP) 0801 - This variant has strong previous evidence of pathogenicity in unrelated individuals with autosomal recessive RYR1-related myopathies with parents reported as unaffected carriers (ClinVar, PMIDs: 30155738, 25957634, 28269792). (SP) 0905 - No published segregation evidence has been identified for this variant. (I) 1007 - No published functional evidence has been identified for this variant. (I) 1208 - Inheritance information for this variant is not currently available in this individual. (I) Legend: (SP) - Supporting pathogenic, (I) - Information, (SB) - Supporting benign

All of Us Research Program, National Institutes of Health
Classification: Uncertain significance for Malignant hyperthermia, susceptibility to, 1. Last evaluated: 2024-08-06. Review status: flagged submission. Criteria: ACMG Guidelines, 2015. Collection method: clinical testing. Allele origin: germline. Inheritance: Autosomal dominant inheritance. Observed: 2 variant alleles, 2 heterozygotes. Not counted in ClinVar's aggregate classification.
Comment: This variant has been reported previously in multiple unrelated individuals with AR congenital myopathy. However loss of function is not a mechanism of disease for malignant hyperthermia susceptibility.

This study involves interpretation of variants in research participants for the purpose of population health screening. Participant phenotype was not available at the time of variant classification. Additional details can be found in publication PMID: 35346344, PMCID: PMC8962531
ClinVar note: Reason: Unnecessary conflicting claim for distinct condition when other classifications are more relevant

Literature cited by the submitters: PubMed 23919265 (cited by 3 submitters); PubMed 28269792 (cited by 4 submitters); PubMed 25960145 (cited by Clinical Biomedical Laboratory, Shriners Hospital For Children - Canada and Labcorp Genetics (formerly Invitae), Labcorp); PubMed 28818389 (cited by Labcorp Genetics (formerly Invitae), Labcorp); PubMed 30611313 (cited by Labcorp Genetics (formerly Invitae), Labcorp); PubMed 25957634 (cited by 3 submitters); PubMed 30155738 (cited by Molecular Genetics, Royal Melbourne Hospital and Victorian Clinical Genetics Services, Murdoch Childrens Research Institute); PubMed 27855725 (cited by Victorian Clinical Genetics Services, Murdoch Childrens Research Institute).